The following is an entry in ClinVar:

ClinVar aggregate classification (germline): Pathogenic (1 of 4 stars; one submission).

Allele frequency attached by ClinVar (database versions not stated): gnomAD exomes below 0.00001.
gnomAD v4.1: 1 of 1,613,330 alleles (0.000062%); highest among the groups gnomAD compares: Admixed American, 0.0017%; no homozygotes.

Submission:

Labcorp Genetics (formerly Invitae), Labcorp
Classification: Pathogenic. Last evaluated: 2023-12-11. Review status: criteria provided, single submitter. Criteria: Invitae Variant Classification Sherloc (09022015). Collection method: clinical testing. Allele origin: germline.
Comment: This sequence change creates a premature translational stop signal (p.Tyr370*) in the ATP8A2 gene. It is expected to result in an absent or disrupted protein product. Loss-of-function variants in ATP8A2 are known to be pathogenic (PMID: 28454995, 29531481). This variant is present in population databases (no rsID available, gnomAD 0.003%). This variant has not been reported in the literature in individuals affected with ATP8A2-related conditions. ClinVar contains an entry for this variant (Variation ID: 1938648). Algorithms developed to predict the effect of sequence changes on RNA splicing suggest that this variant may disrupt the consensus splice site. For these reasons, this variant has been classified as Pathogenic.

Literature cited by the submitters: PubMed 28454995; PubMed 29531481.

NM_016529.6(ATP8A2):c.1110C>G (p.Tyr370Ter)

Gene: ATP8A2 (ATPase phospholipid transporting 8A2). Cytogenetic location: 13q12.13.
Variant type: single nucleotide variant.
Coding change: c.1110C>G on transcript NM_016529.6 (MANE Select); coding-DNA position 1110, C replaced by G.
Protein change: p.Tyr370Ter; replaces tyrosine 370 with a stop codon.
Molecular consequence: nonsense.
Genome position (GRCh38, 1-based): chr13:25,553,845, C>G. VCF-style: chr13-25553845-C-G. GRCh37 (hg19) VCF-style: chr13-26127983-C-G.
Other names: c.990C>G, p.Tyr330Ter (NM_001313741.1); c.1110C>G, p.Tyr370Ter (NM_001411005.1, NM_001411006.1); short protein forms Y370*, Y330*.
Identifiers: ClinVar variation 1938648 (VCV001938648.5), dbSNP rs1479265535, ClinGen allele CA387613112.